The following is an entry in ClinVar:

ClinVar aggregate classification (germline): Uncertain significance (1 of 4 stars; one submission).

Conditions:
Wilson disease (WND). Also called: Wilson's disease. Identifiers: Orphanet 905, MedGen C0019202, MONDO:0010200, OMIM 277900. Disease mechanism: loss of function.

Submission:

Labcorp Genetics (formerly Invitae), Labcorp
Classification: Uncertain significance for Wilson disease. Last evaluated: 2023-10-30. Review status: criteria provided, single submitter. Criteria: Invitae Variant Classification Sherloc (09022015). Collection method: clinical testing. Allele origin: germline.
Comment: This sequence change replaces serine, which is neutral and polar, with proline, which is neutral and non-polar, at codon 518 of the ATP7B protein (p.Ser518Pro). This variant is not present in population databases (gnomAD no frequency). This variant has not been reported in the literature in individuals affected with ATP7B-related conditions. ClinVar contains an entry for this variant (Variation ID: 1354906). Advanced modeling of protein sequence and biophysical properties (such as structural, functional, and spatial information, amino acid conservation, physicochemical variation, residue mobility, and thermodynamic stability) performed at Invitae indicates that this missense variant is expected to disrupt ATP7B protein function with a positive predictive value of 80%. In summary, the available evidence is currently insufficient to determine the role of this variant in disease. Therefore, it has been classified as a Variant of Uncertain Significance.

NM_000053.4(ATP7B):c.1552T>C (p.Ser518Pro)

Gene: ATP7B (ATPase copper transporting beta; minus strand). Cytogenetic location: 13q14.3.
Variant type: single nucleotide variant.
Coding change: c.1552T>C on transcript NM_000053.4 (MANE Select); coding-DNA position 1552, T replaced by C.
Protein change: p.Ser518Pro; replaces serine 518 with proline.
Molecular consequence: missense variant.
Genome position (GRCh38, 1-based): chr13:51,968,599, A>G on the plus strand (T>C on the coding strand, the complement: ATP7B is on the minus strand). VCF-style: chr13-51968599-A-G. GRCh37 (hg19) VCF-style: chr13-52542735-A-G.
Other names: c.1552T>C, p.Ser518Pro (NM_001005918.3, NM_001330578.2, NM_001330579.2); c.1219T>C, p.Ser407Pro (NM_001243182.2); short protein forms S518P, S407P.
Identifiers: ClinVar variation 1354906 (VCV001354906.5), dbSNP rs2139897814, ClinGen allele CA388034460.